The following is an entry in ClinVar:

ClinVar aggregate classification (germline): Uncertain significance. Review status: criteria provided, multiple submitters, no conflicts (2 of 4 stars). 2 submissions from 2 submitters: Uncertain significance (2). Last evaluated 2025-08-26.

gnomAD v4.1: 118 of 1,614,110 alleles (0.0073%); highest among the groups gnomAD compares: Non-Finnish European, 0.0094%; no homozygotes.

Submissions (2):

Ambry Genetics
Classification: Uncertain significance. Last evaluated: 2025-08-26. Review status: criteria provided, single submitter. Criteria: Ambry Variant Classification Scheme 2023. Collection method: clinical testing. Allele origin: germline.

Labcorp Genetics (formerly Invitae), Labcorp
Classification: Uncertain significance. Last evaluated: 2025-06-23. Review status: criteria provided, single submitter. Criteria: Invitae Variant Classification Sherloc (09022015). Collection method: clinical testing. Allele origin: germline.
Comment: This sequence change replaces valine, which is neutral and non-polar, with isoleucine, which is neutral and non-polar, at codon 335 of the MCM2 protein (p.Val335Ile). This variant is present in population databases (rs775651689, gnomAD 0.009%). This variant has not been reported in the literature in individuals affected with MCM2-related conditions. Invitae Evidence Modeling of protein sequence and biophysical properties (such as structural, functional, and spatial information, amino acid conservation, physicochemical variation, residue mobility, and thermodynamic stability) indicates that this missense variant is not expected to disrupt MCM2 protein function with a negative predictive value of 80%. In summary, the available evidence is currently insufficient to determine the role of this variant in disease. Therefore, it has been classified as a Variant of Uncertain Significance.

NM_004526.4(MCM2):c.1003G>A (p.Val335Ile)

Gene: MCM2 (minichromosome maintenance complex component 2; plus strand). Cytogenetic location: 3q21.3.
Variant type: single nucleotide variant.
Coding change: c.1003G>A on transcript NM_004526.4 (MANE Select); coding-DNA position 1003, G replaced by A.
Protein change: p.Val335Ile; replaces valine 335 with isoleucine.
Molecular consequence: missense variant. On other transcripts: non-coding transcript variant (1).
Genome position (GRCh38, 1-based): chr3:127,606,719, G>A. VCF-style: chr3-127606719-G-A. GRCh37 (hg19) VCF-style: chr3-127325562-G-A.
Other names: short protein forms V335I.
Identifiers: ClinVar variation 4105083 (VCV004105083.2).